The following is an entry in ClinVar:

ClinVar aggregate classification (germline): Uncertain significance (1 of 4 stars; one submission).

gnomAD v4.1: 1 of 1,614,094 alleles (0.000062%); highest among the groups gnomAD compares: Non-Finnish European, 0.000085%; no homozygotes.

Submission:

GeneDx
Classification: Uncertain significance. Last evaluated: 2021-01-12. Review status: criteria provided, single submitter. Criteria: GeneDx Variant Classification Process June 2021. Collection method: clinical testing. Allele origin: germline. Affected: yes.
Comment: Not observed in large population cohorts (Lek et al., 2016); In silico analysis supports that this missense variant does not alter protein structure/function; Has not been previously published as pathogenic or benign to our knowledge

NM_006015.6(ARID1A):c.4882G>T (p.Ala1628Ser)

Gene: ARID1A (AT-rich interaction domain 1A; plus strand). Cytogenetic location: 1p36.11.
Variant type: single nucleotide variant.
Coding change: c.4882G>T on transcript NM_006015.6 (MANE Select); coding-DNA position 4882, G replaced by T.
Protein change: p.Ala1628Ser; replaces alanine 1628 with serine.
Molecular consequence: missense variant.
Genome position (GRCh38, 1-based): chr1:26,775,109, G>T. VCF-style: chr1-26775109-G-T. GRCh37 (hg19) VCF-style: chr1-27101600-G-T.
Other names: c.4231G>T, p.Ala1411Ser (NM_139135.4); short protein forms A1411S, A1628S.
Identifiers: ClinVar variation 1313941 (VCV001313941.2), dbSNP rs893433709, ClinGen allele CA339179049.